The following is an entry in ClinVar:

NM_021098.3(CACNA1H):c.6433G>T (p.Asp2145Tyr)

Gene: CACNA1H (calcium voltage-gated channel subunit alpha1 H; plus strand). Cytogenetic location: 16p13.3.
Variant type: single nucleotide variant.
Coding change: c.6433G>T on transcript NM_021098.3 (MANE Select); coding-DNA position 6433, G replaced by T.
Protein change: p.Asp2145Tyr; replaces aspartic acid 2145 with tyrosine.
Molecular consequence: missense variant.
Genome position (GRCh38, 1-based): chr16:1,220,365, G>T. VCF-style: chr16-1220365-G-T. GRCh37 (hg19) VCF-style: chr16-1270365-G-T.
Other names: c.6415G>T, p.Asp2139Tyr (NM_001005407.2); short protein forms D2139Y, D2145Y.
Identifiers: ClinVar variation 1374337 (VCV001374337.6), dbSNP rs1319777512, ClinGen allele CA394149721.

ClinVar aggregate classification (germline): Uncertain significance (1 of 4 stars; one submission).

Conditions:
Idiopathic generalized epilepsy. Also called: EIG; Generalised epilepsy. Identifiers: MedGen C0270850, MONDO:0005579, OMIM 600669.
Hyperaldosteronism, familial, type IV (HALD4). Also called: FH IV; ALDOSTERONISM, PRIMARY, AND HYPERTENSION. Identifiers: Orphanet 642671, MedGen C4310756, MONDO:0014875, OMIM 617027.

Allele frequency attached by ClinVar (database versions not stated): gnomAD exomes below 0.00001; TOPMed below 0.00001.
gnomAD v4.1: 3 of 1,525,032 alleles (0.0002%); highest among the groups gnomAD compares: Non-Finnish European, 0.00026%; no homozygotes.

Submission:

Labcorp Genetics (formerly Invitae), Labcorp
Classification: Uncertain significance for Idiopathic generalized epilepsy; Hyperaldosteronism, familial, type IV. Last evaluated: 2022-01-06. Review status: criteria provided, single submitter. Criteria: Invitae Variant Classification Sherloc (09022015). Collection method: clinical testing. Allele origin: germline.
Comment: In summary, the available evidence is currently insufficient to determine the role of this variant in disease. Therefore, it has been classified as a Variant of Uncertain Significance. This sequence change replaces aspartic acid, which is acidic and polar, with tyrosine, which is neutral and polar, at codon 2145 of the CACNA1H protein (p.Asp2145Tyr). This variant is not present in population databases (gnomAD no frequency). This variant has not been reported in the literature in individuals affected with CACNA1H-related conditions. Advanced modeling of protein sequence and biophysical properties (such as structural, functional, and spatial information, amino acid conservation, physicochemical variation, residue mobility, and thermodynamic stability) performed at Invitae indicates that this missense variant is not expected to disrupt CACNA1H protein function.